The following is an entry in ClinVar:

NM_005188.4(CBL):c.1565C>T (p.Ala522Val)

Gene: CBL (Cbl proto-oncogene; plus strand). Cytogenetic location: 11q23.3.
Variant type: single nucleotide variant.
Coding change: c.1565C>T on transcript NM_005188.4 (MANE Select); coding-DNA position 1565, C replaced by T.
Protein change: p.Ala522Val; replaces alanine 522 with valine.
Molecular consequence: missense variant.
Genome position (GRCh38, 1-based): chr11:119,285,190, C>T. VCF-style: chr11-119285190-C-T. GRCh37 (hg19) VCF-style: chr11-119155900-C-T.
Other names: short protein forms A522V.
Identifiers: ClinVar variation 3995985 (VCV003995985.2).

ClinVar aggregate classification (germline): Uncertain significance. Review status: criteria provided, multiple submitters, no conflicts (2 of 4 stars). 2 submissions from 2 submitters: Uncertain significance (2). Last evaluated 2025-08-17.

Conditions:
RASopathy. Also called: Noonan spectrum disorder; rasopathies. Identifiers: Orphanet 536391, MedGen C5555857, MONDO:0021060.
Cardiovascular phenotype. Identifiers: MedGen CN230736.

Submissions (2):

Labcorp Genetics (formerly Invitae), Labcorp
Classification: Uncertain significance for RASopathy. Last evaluated: 2025-08-17. Review status: criteria provided, single submitter. Criteria: Invitae Variant Classification Sherloc (09022015). Collection method: clinical testing. Allele origin: germline.
Comment: This sequence change replaces alanine, which is neutral and non-polar, with valine, which is neutral and non-polar, at codon 522 of the CBL protein (p.Ala522Val). This variant is not present in population databases (gnomAD no frequency). This variant has not been reported in the literature in individuals affected with CBL-related conditions. ClinVar contains an entry for this variant (Variation ID: 3995985). Invitae Evidence Modeling of protein sequence and biophysical properties (such as structural, functional, and spatial information, amino acid conservation, physicochemical variation, residue mobility, and thermodynamic stability) indicates that this missense variant is not expected to disrupt CBL protein function with a negative predictive value of 95%. In summary, the available evidence is currently insufficient to determine the role of this variant in disease. Therefore, it has been classified as a Variant of Uncertain Significance.

Ambry Genetics
Classification: Uncertain significance for Cardiovascular phenotype. Last evaluated: 2025-03-27. Review status: criteria provided, single submitter. Criteria: Ambry Variant Classification Scheme 2023. Collection method: clinical testing. Allele origin: germline.
Comment: The p.A522V variant (also known as c.1565C>T), located in coding exon 11 of the CBL gene, results from a C to T substitution at nucleotide position 1565. The alanine at codon 522 is replaced by valine, an amino acid with similar properties. This amino acid position is conserved. In addition, this alteration is predicted to be tolerated by in silico analysis. Based on the available evidence, the clinical significance of this variant remains unclear.